The following is an entry in ClinVar:

ClinVar aggregate classification (germline): Pathogenic/Likely pathogenic. Review status: criteria provided, multiple submitters, no conflicts (2 of 4 stars). 6 submissions from 6 submitters: Pathogenic (3); Likely pathogenic (2). 1 of the submissions does not count toward it. Last evaluated 2026-08-21.

Conditions:
Al Kaissi syndrome. Also called: GROWTH RETARDATION, SPINE MALFORMATION, DYSMORPHIC FACIES, AND DEVELOPMENTAL DELAY. Identifiers: MedGen C4540156, MONDO:0044324, OMIM 617694.

Allele frequency attached by ClinVar (database versions not stated): gnomAD exomes 0.00003; ExAC 0.00002; gnomAD 0.00003 and 0.00004; TOPMed 0.00002.
gnomAD v4.1: 47 of 1,613,898 alleles (0.0029%); highest among the groups gnomAD compares: Non-Finnish European, 0.0038%; no homozygotes.

Submissions (6):

GeneDx
Classification: Likely pathogenic. Last evaluated: 2026-08-21. Review status: criteria provided, single submitter. Criteria: GeneDx Variant Classification Process June 2021. Collection method: clinical testing. Allele origin: germline.
Comment: Canonical splice site variant predicted to result in an in-frame loss of the adjacent exon in a gene for which loss of function is a known mechanism of disease; This variant is associated with the following publications: (PMID: 28886341, 37895316, 34582081, 40960173)

Variantyx, Inc.
Classification: Likely pathogenic for Al Kaissi syndrome. Last evaluated: 2025-11-05. Review status: criteria provided, single submitter. Criteria: Variantyx Assertion Criteria 2022. Collection method: clinical testing. Allele origin: germline. Inheritance: Autosomal recessive inheritance. Affected: yes.
Comment: This is a canonical splicing variant in the CDK10 gene (OMIM: 603464). Pathogenic variants in this gene have been associated with autosomal recessive Al Kaissi syndrome. This splicing variant is expected to result in loss of function, which is a known disease mechanism for CDK10 in this disorder (PMID: 28886341) (PVS1). This variant has a 0.0038% maximum allele frequency in non-founder control populations (PM2). It has been reported in the homozygous or compound heterozygous state in 2 affected individuals (PMID: 28886341). Based on the current evidence, this variant is classified as likely pathogenic for autosomal recessive Al Kaissi syndrome.

First Genomix Gene Laboratory, Genetic Diagnostics Department
Classification: Pathogenic for Al Kaissi syndrome. Last evaluated: 2025-07-16. Review status: criteria provided, single submitter. Criteria: ACMG Guidelines, 2015. Collection method: clinical testing. Allele origin: germline. Inheritance: Autosomal recessive inheritance. Affected: no. Observed: 1 variant allele.

Equipe Genetique des Anomalies du Developpement, Université de Bourgogne
Classification: Pathogenic for Al Kaissi syndrome. Review status: criteria provided, single submitter. Criteria: ACMG Guidelines, 2015. Collection method: clinical testing. Allele origin: unknown. Affected: yes.
Comment: Compound heterozygous (other variant: PED1570.12)

Molecular Genetics Lab, CHRU Brest
Classification: Pathogenic for Al Kaissi syndrome. Review status: criteria provided, single submitter. Criteria: ACMG Guidelines, 2015. Collection method: clinical testing. Allele origin: biparental. Affected: yes.

OMIM
Classification: Pathogenic for AL KAISSI SYNDROME. Last evaluated: 2017-09-29. Review status: no assertion criteria provided. Collection method: literature only. Allele origin: germline. Not counted in ClinVar's aggregate classification.

Literature cited by the submitters: PubMed 28886341 (cited by Variantyx, Inc. and OMIM).

NM_052988.5(CDK10):c.609-1G>A

Gene: CDK10 (cyclin dependent kinase 10; plus strand). Cytogenetic location: 16q24.3.
Variant type: single nucleotide variant.
Coding change: c.609-1G>A on transcript NM_052988.5 (MANE Select); the canonical splice acceptor site of the intron before coding-DNA position 609, G replaced by A.
Molecular consequence: splice acceptor variant.
Genome position (GRCh38, 1-based): chr16:89,694,172, G>A. VCF-style: chr16-89694172-G-A. GRCh37 (hg19) VCF-style: chr16-89760580-G-A.
Other names: IVS8AS, G-A, -1 (rs767176610); c.396-1G>A (NM_001160367.2, NM_052987.4, NM_001098533.3).
Identifiers: ClinVar variation 440754 (VCV000440754.9), dbSNP rs767176610, ClinGen allele CA8248022.
Genomic context (GRCh38, chr16:89,694,172, plus strand): 5'-GTGGAGGCCTGGGCTGGGGGAGAGGAGCCGGCTGTATTGAGGTGGGTGCTTCTGTGTGTA[G>A]GTACCGAGCCCCTGAACTGCTGTTGGGAACCACCACGCAGACCACCAGCATCGACATGTG-3'